The following is an entry in ClinVar:

ClinVar aggregate classification (germline): Uncertain significance. Review status: criteria provided, multiple submitters, no conflicts (2 of 4 stars). 2 submissions from 2 submitters: Uncertain significance (2). Last evaluated 2025-10-27.

Conditions:
Cardiac arrhythmia. Also called: Cardiac rhythm disease; Arrhythmia. Identifiers: MedGen C0003811, MONDO:0007263, HP:0011675.
Long QT syndrome (LQTS). Identifiers: MedGen C0023976, MeSH D008133, MONDO:0002442. Disease mechanism: loss of function. Inheritance: Various modes of inheritance.

Allele frequency attached by ClinVar (database versions not stated): gnomAD exomes 0.00001.
gnomAD v4.1: 19 of 1,530,510 alleles (0.0012%); highest among the groups gnomAD compares: Non-Finnish European, 0.0016%; no homozygotes.

Submissions (2):

Labcorp Genetics (formerly Invitae), Labcorp
Classification: Uncertain significance for Long QT syndrome. Last evaluated: 2025-10-27. Review status: criteria provided, single submitter. Criteria: Invitae Variant Classification Sherloc (09022015). Collection method: clinical testing. Allele origin: germline.
Comment: This sequence change replaces glutamic acid, which is acidic and polar, with lysine, which is basic and polar, at codon 900 of the KCNH2 protein (p.Glu900Lys). This variant is not present in population databases (gnomAD no frequency). This variant has not been reported in the literature in individuals affected with KCNH2-related conditions. ClinVar contains an entry for this variant (Variation ID: 2148400). An algorithm developed to predict the effect of missense changes on protein structure and function (PolyPhen-2) suggests that this variant is likely to be tolerated. In summary, the available evidence is currently insufficient to determine the role of this variant in disease. Therefore, it has been classified as a Variant of Uncertain Significance.

Color Diagnostics, LLC DBA Color Health
Classification: Uncertain significance for Cardiac arrhythmia. Last evaluated: 2025-09-13. Review status: criteria provided, single submitter. Criteria: ACMG Guidelines, 2015. Collection method: clinical testing. Allele origin: germline.
Comment: This missense variant replaces glutamic acid with lysine at codon 900 of the KCNH2 protein. Computational prediction is inconclusive regarding the impact of this variant on protein structure and function. To our knowledge, functional studies have not been reported for this variant. This variant has not been reported in individuals affected with KCNH2-related disorders in the literature. This variant has not been identified in the general population by the Genome Aggregation Database (gnomAD). The available evidence is insufficient to determine the role of this variant in disease conclusively. Therefore, this variant is classified as a Variant of Uncertain Significance.

NM_000238.4(KCNH2):c.2698G>A (p.Glu900Lys)

Gene: KCNH2 (potassium voltage-gated channel subfamily H member 2; minus strand). Cytogenetic location: 7q36.1.
Variant type: single nucleotide variant.
Coding change: c.2698G>A on transcript NM_000238.4 (MANE Select); coding-DNA position 2698, G replaced by A.
Protein change: p.Glu900Lys; replaces glutamic acid 900 with lysine.
Molecular consequence: missense variant.
Genome position (GRCh38, 1-based): chr7:150,947,873, C>T on the plus strand (G>A on the coding strand, the complement: KCNH2 is on the minus strand). VCF-style: chr7-150947873-C-T. GRCh37 (hg19) VCF-style: chr7-150644961-C-T.
Other names: c.2410G>A, p.Glu804Lys (NM_001406753.1); c.1678G>A, p.Glu560Lys (NM_172057.3); short protein forms E560K, E804K, E900K.
Identifiers: ClinVar variation 2148400 (VCV002148400.4), dbSNP rs2486008783, ClinGen allele CA369853567.